The following is an entry in ClinVar:

NM_001365536.1(SCN9A):c.258+3G>T

Gene: SCN9A (sodium voltage-gated channel alpha subunit 9; minus strand). Cytogenetic location: 2q24.3.
Variant type: single nucleotide variant.
Coding change: c.258+3G>T on transcript NM_001365536.1 (MANE Select); 3 bases into the intron after coding-DNA position 258, G replaced by T.
Molecular consequence: intron variant.
Genome position (GRCh38, 1-based): chr2:166,311,496, C>A on the plus strand (G>T on the coding strand, the complement: SCN9A is on the minus strand). VCF-style: chr2-166311496-C-A. GRCh37 (hg19) VCF-style: chr2-167168006-C-A.
Other names: c.258+3G>T (NM_002977.4).
Identifiers: ClinVar variation 2921629 (VCV002921629.3), dbSNP rs2468153510, ClinGen allele CA2661770156.

ClinVar aggregate classification (germline): Uncertain significance (1 of 4 stars; one submission).

Conditions:
Neuropathy, hereditary sensory and autonomic, type 2A (HSAN2A). Also called: ACROOSTEOLYSIS, GIACCAI TYPE; HSAN IIA; MORVAN DISEASE; NEUROPATHY, CONGENITAL SENSORY; NEUROPATHY, HEREDITARY SENSORY RADICULAR, AUTOSOMAL RECESSIVE; NEUROPATHY, HEREDITARY SENSORY, TYPE IIA. Identifiers: Orphanet 970, MedGen C2752089, MONDO:0024309, OMIM 201300.
Generalized epilepsy with febrile seizures plus, type 7 (GEFSP7). Also called: GEFS+, TYPE 7. Identifiers: Orphanet 36387, MedGen C2751778, MONDO:0013470, OMIM 613863.

gnomAD v4.1: 1 of 1,529,896 alleles (0.000065%); highest among the groups gnomAD compares: South Asian, 0.0013%; no homozygotes.

Submission:

Labcorp Genetics (formerly Invitae), Labcorp
Classification: Uncertain significance for Neuropathy, hereditary sensory and autonomic, type 2A; Generalized epilepsy with febrile seizures plus, type 7. Last evaluated: 2023-12-22. Review status: criteria provided, single submitter. Criteria: Invitae Variant Classification Sherloc (09022015). Collection method: clinical testing. Allele origin: germline.
Comment: This sequence change falls in intron 2 of the SCN9A gene. It does not directly change the encoded amino acid sequence of the SCN9A protein. It affects a nucleotide within the consensus splice site. This variant is not present in population databases (gnomAD no frequency). This variant has not been reported in the literature in individuals affected with SCN9A-related conditions. Variants that disrupt the consensus splice site are a relatively common cause of aberrant splicing (PMID: 17576681, 9536098). Algorithms developed to predict the effect of sequence changes on RNA splicing suggest that this variant is not likely to affect RNA splicing. In summary, the available evidence is currently insufficient to determine the role of this variant in disease. Therefore, it has been classified as a Variant of Uncertain Significance.

Literature cited by the submitters: PubMed 17576681; PubMed 9536098.